The following is an entry in ClinVar:

ClinVar aggregate classification (germline): Benign/Likely benign. Review status: criteria provided, multiple submitters, no conflicts (2 of 4 stars). 2 submissions from 2 submitters: Benign (1); Likely benign (1). Last evaluated 2023-12-01.

Allele frequency attached by ClinVar (database versions not stated): ESP Exome Variant Server 0.00008; TOPMed 0.00014; 1000 Genomes Project 30x 0.00156; 1000 Genomes Project 0.00180; ExAC 0.00236; gnomAD 0.00266 and 0.00273; gnomAD exomes 0.00304.
gnomAD v4.1: 2,148 of 1,613,958 alleles (0.13%); highest among the groups gnomAD compares: South Asian, 0.027%; 38 homozygotes.

Submissions (2):

CeGaT Center for Human Genetics Tuebingen
Classification: Likely benign. Last evaluated: 2023-12-01. Review status: criteria provided, single submitter. Criteria: CeGaT Center For Human Genetics Tuebingen Variant Classification Criteria Version 2. Collection method: clinical testing. Allele origin: germline. Affected: yes. Observed: 1 variant allele.
Comment: ZBTB16: BP4, BP7

Labcorp Genetics (formerly Invitae), Labcorp
Classification: Benign. Last evaluated: 2018-06-06. Review status: criteria provided, single submitter. Criteria: Invitae Variant Classification Sherloc (09022015). Collection method: clinical testing. Allele origin: germline.

NM_006006.6(ZBTB16):c.426C>T (p.Ala142=)

Gene: ZBTB16 (zinc finger and BTB domain containing 16; plus strand). Cytogenetic location: 11q23.2.
Variant type: single nucleotide variant.
Coding change: c.426C>T on transcript NM_006006.6 (MANE Select); coding-DNA position 426, C replaced by T.
Protein change: p.Ala142=; no amino-acid change (alanine 142 retained).
Molecular consequence: synonymous variant.
Genome position (GRCh38, 1-based): chr11:114,063,726, C>T. VCF-style: chr11-114063726-C-T. GRCh37 (hg19) VCF-style: chr11-113934448-C-T.
Other names: c.426C>T, p.Ala142= (NM_001018011.3, NM_001354750.2, NM_001354751.2 and 1 more transcripts).
Identifiers: ClinVar variation 749497 (VCV000749497.25), dbSNP rs149620068, ClinGen allele CA6285020.
Genomic context (GRCh38, chr11:114,063,726, plus strand): 5'-GGAGACCATCCAGGCCTCAGACGACAATGACACGGAGGCCACCATGGCCGATGGCGGGGC[C>T]GAGGAAGAAGAGGACCGCAAGGCTCGGTACCTCAAGAACATCTTCATCTCGAAGCATTCC-3'
Protein context (NP_005997.2, residues 132-152): DTEATMADGG[Ala142=]EEEEDRKARY